The following is an entry in ClinVar:

ClinVar aggregate classification (germline): Pathogenic/Likely pathogenic. Review status: criteria provided, multiple submitters, no conflicts (2 of 4 stars). 3 submissions from 3 submitters: Pathogenic (1); Likely pathogenic (2). Last evaluated 2024-08-26.

Conditions:
Smith-Lemli-Opitz syndrome (SLOS). Also called: POLYDACTYLY, SEX REVERSAL, RENAL HYPOPLASIA, AND UNILOBAR LUNG; RSH SYNDROME; RUTLEDGE LETHAL MULTIPLE CONGENITAL ANOMALY SYNDROME; 7-Dehydrocholesterol reductase deficiency; LETHAL ACRODYSGENITAL SYNDROME. Identifiers: Orphanet 818, MedGen C0175694, MONDO:0010035, OMIM 270400.

Submissions (3):

Natera, Inc.
Classification: Likely pathogenic for Smith-Lemli-Opitz syndrome. Last evaluated: 2024-08-26. Review status: criteria provided, single submitter. Criteria: Natera Variant Classification Schema (03/2026). Collection method: clinical testing. Allele origin: germline.
Comment: The c.388C>T variant in DHCR7 is a nonsense variant predicted to introduce a stop codon at amino acid 130. This variant is expected to result in nonsense mediated decay, truncation, or a dysfunctional protein product. This variant is rare in the general population with a frequency below the threshold expected for the associated phenotype(s). Given the available evidence, this variant is classified as Likely Pathogenic.

Labcorp Genetics (formerly Invitae), Labcorp
Classification: Pathogenic for Smith-Lemli-Opitz syndrome. Last evaluated: 2022-07-26. Review status: criteria provided, single submitter. Criteria: Invitae Variant Classification Sherloc (09022015). Collection method: clinical testing. Allele origin: germline.
Comment: This variant is not present in population databases (gnomAD no frequency). This sequence change creates a premature translational stop signal (p.Gln130*) in the DHCR7 gene. It is expected to result in an absent or disrupted protein product. Loss-of-function variants in DHCR7 are known to be pathogenic (PMID: 9634533, 10677299). This variant has not been reported in the literature in individuals affected with DHCR7-related conditions. For these reasons, this variant has been classified as Pathogenic. ClinVar contains an entry for this variant (Variation ID: 983926).

Myriad Genetics, Inc.
Classification: Likely pathogenic for Smith-Lemli-Opitz syndrome. Last evaluated: 2019-05-26. Review status: criteria provided, single submitter. Criteria: Myriad Women's Health Autosomal Recessive and X-Linked Classification Criteria (2019). Collection method: clinical testing. Allele origin: unknown.
Comment: NM_001360.2(DHCR7):c.388C>T(Q130*) is expected to be pathogenic in the context of Smith-Lemli-Opitz syndrome. This variant is predicted to lead to an abnormal or absent protein product due to the creation of a premature termination codon in DHCR7, a gene where loss-of-function variants are known to be pathogenic. Please note: this variant was assessed in the context of healthy population screening.

Literature cited by the submitters: PubMed 9634533 (cited by Labcorp Genetics (formerly Invitae), Labcorp); PubMed 10677299 (cited by Labcorp Genetics (formerly Invitae), Labcorp).

NM_001360.3(DHCR7):c.388C>T (p.Gln130Ter)

Gene: DHCR7 (7-dehydrocholesterol reductase; minus strand). Cytogenetic location: 11q13.4.
Variant type: single nucleotide variant.
Coding change: c.388C>T on transcript NM_001360.3 (MANE Select); coding-DNA position 388, C replaced by T.
Protein change: p.Gln130Ter; replaces glutamine 130 with a stop codon.
Molecular consequence: nonsense.
Genome position (GRCh38, 1-based): chr11:71,442,287, G>A on the plus strand (C>T on the coding strand, the complement: DHCR7 is on the minus strand). VCF-style: chr11-71442287-G-A. GRCh37 (hg19) VCF-style: chr11-71153333-G-A.
Other names: c.388C>T (NM_001360.2); c.388C>T, p.Gln130Ter (NM_001163817.2); short protein forms Q130*.
Identifiers: ClinVar variation 983926 (VCV000983926.10), dbSNP rs1949357136, ClinGen allele CA381694867.